The following is an entry in ClinVar:

ClinVar aggregate classification (germline): Uncertain significance. Review status: criteria provided, multiple submitters, no conflicts (2 of 4 stars). 2 submissions from 2 submitters: Uncertain significance (2). Last evaluated 2024-07-04.

Conditions:
Cardiovascular phenotype. Identifiers: MedGen CN230736.

Allele frequency attached by ClinVar (database versions not stated): gnomAD exomes below 0.00001; TOPMed below 0.00001; gnomAD 0.00001.

Submissions (2):

Labcorp Genetics (formerly Invitae), Labcorp
Classification: Uncertain significance. Last evaluated: 2024-07-04. Review status: criteria provided, single submitter. Criteria: Invitae Variant Classification Sherloc (09022015). Collection method: clinical testing. Allele origin: germline.
Comment: This sequence change replaces aspartic acid, which is acidic and polar, with tyrosine, which is neutral and polar, at codon 891 of the ALPK3 protein (p.Asp891Tyr). This variant is not present in population databases (gnomAD no frequency). This variant has not been reported in the literature in individuals affected with ALPK3-related conditions. ClinVar contains an entry for this variant (Variation ID: 1794561). Algorithms developed to predict the effect of missense changes on protein structure and function output the following: SIFT: "Not Available"; PolyPhen-2: "Benign"; Align-GVGD: "Not Available". The tyrosine amino acid residue is found in multiple mammalian species, which suggests that this missense change does not adversely affect protein function. In summary, the available evidence is currently insufficient to determine the role of this variant in disease. Therefore, it has been classified as a Variant of Uncertain Significance.

Ambry Genetics
Classification: Uncertain significance for Cardiovascular phenotype. Last evaluated: 2020-12-31. Review status: criteria provided, single submitter. Criteria: Ambry Variant Classification Scheme 2023. Collection method: clinical testing. Allele origin: germline.
Comment: The p.D891Y variant (also known as c.2671G>T), located in coding exon 6 of the ALPK3 gene, results from a G to T substitution at nucleotide position 2671. The aspartic acid at codon 891 is replaced by tyrosine, an amino acid with highly dissimilar properties. This amino acid position is not well conserved in available vertebrate species, and tyrosine is the reference amino acid in other vertebrate species. In addition, this alteration is predicted to be tolerated by in silico analysis. Since supporting evidence is limited at this time, the clinical significance of this alteration remains unclear.

NM_020778.5(ALPK3):c.2065G>T (p.Asp689Tyr)

Gene: ALPK3 (alpha kinase 3; plus strand). Cytogenetic location: 15q25.3.
Variant type: single nucleotide variant.
Coding change: c.2065G>T on transcript NM_020778.5 (MANE Select); coding-DNA position 2065, G replaced by T.
Protein change: p.Asp689Tyr; replaces aspartic acid 689 with tyrosine.
Molecular consequence: missense variant.
Genome position (GRCh38, 1-based): chr15:84,856,803, G>T. VCF-style: chr15-84856803-G-T. GRCh37 (hg19) VCF-style: chr15-85400034-G-T.
Other names: short protein forms D689Y.
Identifiers: ClinVar variation 1794561 (VCV001794561.4), dbSNP rs1023330237, ClinGen allele CA273623894.